The following is an entry in ClinVar:

NM_144997.7(FLCN):c.841G>T (p.Asp281Tyr)

Gene: FLCN (folliculin; minus strand). Cytogenetic location: 17p11.2.
Variant type: single nucleotide variant.
Coding change: c.841G>T on transcript NM_144997.7 (MANE Select); coding-DNA position 841, G replaced by T.
Protein change: p.Asp281Tyr; replaces aspartic acid 281 with tyrosine.
Molecular consequence: missense variant.
Genome position (GRCh38, 1-based): chr17:17,221,567, C>A on the plus strand (G>T on the coding strand, the complement: FLCN is on the minus strand). VCF-style: chr17-17221567-C-A. GRCh37 (hg19) VCF-style: chr17-17124881-C-A.
Other names: c.895G>T, p.Asp299Tyr (NM_001353229.2); c.841G>T, p.Asp281Tyr (NM_001353230.2, NM_001353231.2, NM_144606.7); short protein forms D281Y, D299Y.
Identifiers: ClinVar variation 1940565 (VCV001940565.5), dbSNP rs2047090106, ClinGen allele CA398533676.

ClinVar aggregate classification (germline): Uncertain significance (1 of 4 stars; one submission).

Conditions:
Birt-Hogg-Dube syndrome. Also called: Birt Hogg Dubé syndrome. Identifiers: Orphanet 122, MedGen C0346010, MONDO:0800444.

Allele frequency attached by ClinVar (database versions not stated): gnomAD exomes below 0.00001.

Submission:

Labcorp Genetics (formerly Invitae), Labcorp
Classification: Uncertain significance for Birt-Hogg-Dube syndrome. Last evaluated: 2024-07-25. Review status: criteria provided, single submitter. Criteria: Invitae Variant Classification Sherloc (09022015). Collection method: clinical testing. Allele origin: germline.
Comment: This sequence change replaces aspartic acid, which is acidic and polar, with tyrosine, which is neutral and polar, at codon 281 of the FLCN protein (p.Asp281Tyr). This variant is not present in population databases (gnomAD no frequency). This variant has not been reported in the literature in individuals affected with FLCN-related conditions. ClinVar contains an entry for this variant (Variation ID: 1940565). Advanced modeling of protein sequence and biophysical properties (such as structural, functional, and spatial information, amino acid conservation, physicochemical variation, residue mobility, and thermodynamic stability) has been performed at Invitae for this missense variant, however the output from this modeling did not meet the statistical confidence thresholds required to predict the impact of this variant on FLCN protein function. In summary, the available evidence is currently insufficient to determine the role of this variant in disease. Therefore, it has been classified as a Variant of Uncertain Significance.